The following is an entry in ClinVar:

NM_002971.6(SATB1):c.1205A>G (p.Gln402Arg)

Gene: SATB1 (SATB homeobox 1; minus strand). Cytogenetic location: 3p24.3.
Variant type: single nucleotide variant.
Coding change: c.1205A>G on transcript NM_002971.6 (MANE Select); coding-DNA position 1205, A replaced by G.
Protein change: p.Gln402Arg; replaces glutamine 402 with arginine.
Molecular consequence: missense variant.
Genome position (GRCh38, 1-based): chr3:18,394,463, T>C on the plus strand (A>G on the coding strand, the complement: SATB1 is on the minus strand). VCF-style: chr3-18394463-T-C. GRCh37 (hg19) VCF-style: chr3-18435955-T-C.
Other names: c.1205A>G, p.Gln402Arg (NM_001131010.4, NM_001195470.3, NM_001322871.2 and 4 more transcripts); c.989A>G, p.Gln330Arg (NM_001322876.2); short protein forms Q330R, Q402R.
Identifiers: ClinVar variation 1711929 (VCV001711929.2), dbSNP rs2470651558, ClinGen allele CA351855674.

ClinVar aggregate classification (germline): Pathogenic (1 of 4 stars; one submission).

Submission:

GeneDx
Classification: Pathogenic. Last evaluated: 2022-05-12. Review status: criteria provided, single submitter. Criteria: GeneDx Variant Classification Process June 2021. Collection method: clinical testing. Allele origin: germline. Affected: yes.
Comment: Reported de novo in an individual with autism spectrum disorder; however, this individual also harbored de novo variants in three other genes (Satterstrom et al., 2020); Not observed at significant frequency in large population cohorts (gnomAD); In silico analysis supports that this missense variant does not alter protein structure/function; This variant is associated with the following publications: (PMID: 33513338, 31981491)